The following is an entry in ClinVar:

NM_005076.5(CNTN2):c.191G>A (p.Arg64Gln)

Gene: CNTN2 (contactin 2; plus strand). Cytogenetic location: 1q32.1.
Variant type: single nucleotide variant.
Coding change: c.191G>A on transcript NM_005076.5 (MANE Select); coding-DNA position 191, G replaced by A.
Protein change: p.Arg64Gln; replaces arginine 64 with glutamine.
Molecular consequence: missense variant. On other transcripts: non-coding transcript variant (1).
Genome position (GRCh38, 1-based): chr1:205,058,041, G>A. VCF-style: chr1-205058041-G-A. GRCh37 (hg19) VCF-style: chr1-205027169-G-A.
Other names: c.191G>A, p.Arg64Gln (NM_001346083.2); short protein forms R64Q.
Identifiers: ClinVar variation 1441919 (VCV001441919.5), dbSNP rs199539011, ClinGen allele CA1350944.

ClinVar aggregate classification (germline): Uncertain significance (1 of 4 stars; one submission).

Conditions:
Epilepsy, familial adult myoclonic, 5 (EPEO5). Also called: CORTICAL MYOCLONIC TREMOR WITH EPILEPSY, FAMILIAL, 5. Identifiers: Orphanet 86814, MedGen C3809374, MONDO:0014167, OMIM 615400.

Allele frequency attached by ClinVar (database versions not stated): gnomAD exomes 0.00002 and 0.00004; gnomAD 0.00004; ExAC 0.00006; TOPMed 0.00007; ESP Exome Variant Server 0.00015.
gnomAD v4.1: 37 of 1,613,548 alleles (0.0023%); highest among the groups gnomAD compares: Middle Eastern, 0.016%; no homozygotes.

Submission:

Labcorp Genetics (formerly Invitae), Labcorp
Classification: Uncertain significance for Epilepsy, familial adult myoclonic, 5. Last evaluated: 2022-08-09. Review status: criteria provided, single submitter. Criteria: Invitae Variant Classification Sherloc (09022015). Collection method: clinical testing. Allele origin: germline.
Comment: This sequence change replaces arginine, which is basic and polar, with glutamine, which is neutral and polar, at codon 64 of the CNTN2 protein (p.Arg64Gln). The frequency data for this variant in the population databases is considered unreliable, as metrics indicate poor data quality at this position in the gnomAD database. This variant has not been reported in the literature in individuals affected with CNTN2-related conditions. ClinVar contains an entry for this variant (Variation ID: 1441919). Advanced modeling of protein sequence and biophysical properties (such as structural, functional, and spatial information, amino acid conservation, physicochemical variation, residue mobility, and thermodynamic stability) performed at Invitae indicates that this missense variant is not expected to disrupt CNTN2 protein function. Algorithms developed to predict the effect of sequence changes on RNA splicing suggest that this variant may create or strengthen a splice site. In summary, the available evidence is currently insufficient to determine the role of this variant in disease. Therefore, it has been classified as a Variant of Uncertain Significance.